The following is an entry in ClinVar:

NM_032608.7(MYO18B):c.6226C>T (p.Arg2076Trp)

Gene: MYO18B (myosin XVIIIB; plus strand). Cytogenetic location: 22q12.1.
Variant type: single nucleotide variant.
Coding change: c.6226C>T on transcript NM_032608.7 (MANE Select); coding-DNA position 6226, C replaced by T.
Protein change: p.Arg2076Trp; replaces arginine 2076 with tryptophan.
Molecular consequence: missense variant.
Genome position (GRCh38, 1-based): chr22:25,992,432, C>T. VCF-style: chr22-25992432-C-T. GRCh37 (hg19) VCF-style: chr22-26388398-C-T.
Other names: c.6229C>T, p.Arg2077Trp (NM_001318245.2); short protein forms R2076W, R2077W.
Identifiers: ClinVar variation 773372 (VCV000773372.38), dbSNP rs147898739, ClinGen allele CA10161447.

ClinVar aggregate classification (germline): Likely benign. Review status: criteria provided, multiple submitters, no conflicts (2 of 4 stars). 4 submissions from 4 submitters: Likely benign (3). 1 of the submissions does not count toward it. Last evaluated 2026-07-01.

Conditions:
MYO18B-related disorder. Also called: MYO18B-related condition.

Allele frequency attached by ClinVar (database versions not stated): 1000 Genomes Project 0.00260; 1000 Genomes Project 30x 0.00281; TOPMed 0.00363; gnomAD 0.00397 and 0.00401; ExAC 0.00443; gnomAD exomes 0.00451 and 0.00560; ESP Exome Variant Server 0.00531.
gnomAD v4.1: 8,731 of 1,613,978 alleles (0.54%); highest among the groups gnomAD compares: Non-Finnish European, 0.6%; 44 homozygotes.

Submissions (4):

CeGaT Center for Human Genetics Tuebingen
Classification: Likely benign. Last evaluated: 2026-07-01. Review status: criteria provided, single submitter. Criteria: CeGaT Center For Human Genetics Tuebingen Variant Classification Criteria Version 2. Collection method: clinical testing. Allele origin: germline. Affected: yes. Observed: 4 variant alleles.
Comment: MYO18B: BS2

Labcorp Genetics (formerly Invitae), Labcorp
Classification: Likely benign. Last evaluated: 2026-02-01. Review status: criteria provided, single submitter. Criteria: Invitae Variant Classification Sherloc (09022015). Collection method: clinical testing. Allele origin: germline.

Breakthrough Genomics
Classification: Likely benign. Review status: criteria provided, single submitter. Criteria: ACMG Guidelines, 2015. Collection method: not provided. Allele origin: germline. Inheritance: Autosomal recessive inheritance. Affected: yes.

PreventionGenetics, part of Exact Sciences
Classification: Benign for MYO18B-related condition. Last evaluated: 2019-07-12. Review status: no assertion criteria provided. Collection method: clinical testing. Allele origin: germline. Not counted in ClinVar's aggregate classification.
Comment: This variant is classified as benign based on ACMG/AMP sequence variant interpretation guidelines (Richards et al. 2015 PMID: 25741868, with internal and published modifications).